The following is an entry in ClinVar:

NM_199420.4(POLQ):c.3091A>T (p.Asn1031Tyr)

Gene: POLQ (DNA polymerase theta; minus strand). Cytogenetic location: 3q13.33.
Variant type: single nucleotide variant.
Coding change: c.3091A>T on transcript NM_199420.4 (MANE Select); coding-DNA position 3091, A replaced by T.
Protein change: p.Asn1031Tyr; replaces asparagine 1031 with tyrosine.
Molecular consequence: missense variant.
Genome position (GRCh38, 1-based): chr3:121,489,840, T>A on the plus strand (A>T on the coding strand, the complement: POLQ is on the minus strand). VCF-style: chr3-121489840-T-A. GRCh37 (hg19) VCF-style: chr3-121208687-T-A.
Other names: short protein forms N1031Y.
Identifiers: ClinVar variation 3308695 (VCV003308695.1).
Genomic context (GRCh38, chr3:121,489,840, plus strand): 5'-ATCGCTTTAGATGCTTTCTACGTTTCCAAGATCGAAAACTTCTGCTCATCTTTTCTGAAT[T>A]GAAATTCAAAGGTGCCTTTTTTGTTTTCTGTGAAAAAGTCTGAACAACTTTCTTATCACT-3'
Protein context (NP_955452.3, residues 1021-1041): QKTKKAPLNF[Asn1031Tyr]SEKMSRSFRS

ClinVar aggregate classification (germline): Uncertain significance (1 of 4 stars; one submission).

Submission:

Ambry Genetics
Classification: Uncertain significance. Last evaluated: 2024-05-23. Review status: criteria provided, single submitter. Criteria: Ambry Variant Classification Scheme 2023. Collection method: clinical testing. Allele origin: germline.
Comment: The p.N1031Y variant (also known as c.3091A>T), located in coding exon 16 of the POLQ gene, results from an A to T substitution at nucleotide position 3091. The asparagine at codon 1031 is replaced by tyrosine, an amino acid with dissimilar properties. This amino acid position is conserved. In addition, this alteration is predicted to be tolerated by in silico analysis. Based on the available evidence, the clinical significance of this variant remains unclear.